The following is an entry in ClinVar:

ClinVar aggregate classification (germline): Conflicting classifications of pathogenicity. Review status: criteria provided, conflicting classifications (1 of 4 stars). 8 submissions from 6 submitters: Uncertain significance (3); Likely benign (4). 1 of the submissions does not count toward it. Last evaluated 2025-11-27.

Conditions:
Autosomal dominant nonsyndromic hearing loss 11. Identifiers: Orphanet 90635, MedGen C1832475, MONDO:0011032, OMIM 601317.
Usher syndrome type 1B (USH1B). Also called: Usher syndrome type IB. Identifiers: MedGen C1848638, MONDO:0700087.
Autosomal recessive nonsyndromic hearing loss 2. Also called: DEAFNESS, AUTOSOMAL RECESSIVE 2; NEUROSENSORY NONSYNDROMIC RECESSIVE DEAFNESS 2. Identifiers: Orphanet 90636, MedGen C1838701, MONDO:0010807, OMIM 600060.
MYO7A-related disorder. Also called: MYO7A-related disorders.
Usher syndrome type 1 (USH1). Also called: RETINITIS PIGMENTOSA AND CONGENITAL DEAFNESS. Identifiers: Orphanet 231169, Orphanet 886, MedGen C1568247, MONDO:0010168, OMIM 276900.

Allele frequency attached by ClinVar (database versions not stated): gnomAD exomes 0.00003 and 0.00005; ExAC 0.00008; gnomAD 0.00010 and 0.00011; TOPMed 0.00011; 1000 Genomes Project 30x 0.00016; ESP Exome Variant Server 0.00016; 1000 Genomes Project 0.00020.
gnomAD v4.1: 65 of 1,614,026 alleles (0.004%); highest among the groups gnomAD compares: Middle Eastern, 0.21%; 1 homozygote.

Submissions (8):

Labcorp Genetics (formerly Invitae), Labcorp
Classification: Likely benign. Last evaluated: 2025-11-27. Review status: criteria provided, single submitter. Criteria: Invitae Variant Classification Sherloc (09022015). Collection method: clinical testing. Allele origin: germline.

PreventionGenetics, part of Exact Sciences
Classification: Likely benign for MYO7A-related condition. Last evaluated: 2025-05-22. Review status: criteria provided, single submitter. Criteria: ACMG Guidelines, 2015. Collection method: clinical testing. Allele origin: germline.
Comment: This variant is classified as likely benign based on ACMG/AMP sequence variant interpretation guidelines (Richards et al. 2015 PMID: 25741868, with internal and published modifications).

Blueprint Genetics
Classification: Likely benign. Last evaluated: 2024-09-06. Review status: criteria provided, single submitter. Criteria: ACMG Guidelines, 2015. Collection method: clinical testing. Allele origin: germline.

CeGaT Center for Human Genetics Tuebingen
Classification: Likely benign. Last evaluated: 2023-03-01. Review status: criteria provided, single submitter. Criteria: CeGaT Center For Human Genetics Tuebingen Variant Classification Criteria Version 2. Collection method: clinical testing. Allele origin: germline. Affected: yes. Observed: 1 variant allele.
Comment: MYO7A: BP4, BP7

Illumina Laboratory Services, Illumina
Classification: Uncertain significance for Autosomal recessive nonsyndromic hearing loss 2. Last evaluated: 2018-01-12. Review status: criteria provided, single submitter. Criteria: ICSL Variant Classification Criteria 13 December 2019. Collection method: clinical testing. Allele origin: germline.

Illumina Laboratory Services, Illumina
Classification: Uncertain significance for Usher syndrome type 1. Last evaluated: 2018-01-12. Review status: criteria provided, single submitter. Criteria: ICSL Variant Classification Criteria 13 December 2019. Collection method: clinical testing. Allele origin: germline.

Illumina Laboratory Services, Illumina
Classification: Uncertain significance for Autosomal dominant nonsyndromic hearing loss 11. Last evaluated: 2018-01-12. Review status: criteria provided, single submitter. Criteria: ICSL Variant Classification Criteria 13 December 2019. Collection method: clinical testing. Allele origin: germline.

Natera, Inc.
Classification: Uncertain significance for Usher syndrome type 1B. Last evaluated: 2020-01-24. Review status: no assertion criteria provided. Collection method: clinical testing. Allele origin: germline. Not counted in ClinVar's aggregate classification.

NM_000260.4(MYO7A):c.6552G>A (p.Thr2184=)

Gene: MYO7A (myosin VIIA; plus strand). Cytogenetic location: 11q13.5.
Variant type: single nucleotide variant.
Coding change: c.6552G>A on transcript NM_000260.4 (MANE Select); coding-DNA position 6552, G replaced by A.
Protein change: p.Thr2184=; no amino-acid change (threonine 2184 retained).
Molecular consequence: synonymous variant.
Genome position (GRCh38, 1-based): chr11:77,213,973, G>A. VCF-style: chr11-77213973-G-A. GRCh37 (hg19) VCF-style: chr11-76925018-G-A.
Other names: c.6432G>A, p.Thr2144= (NM_001127180.2); c.6405G>A, p.Thr2135= (NM_001369365.1).
Identifiers: ClinVar variation 761280 (VCV000761280.41), dbSNP rs370866578, ClinGen allele CA6199108.
Genomic context (GRCh38, chr11:77,213,973, plus strand): 5'-CACCTACTTCCACATCACCATTGGGAACTTGGTGCGCGGGAGCAAACTGCTCTGCGAGAC[G>A]TCACTGGTGAGGGCGCATCCTGCTGGGCCTAGTGGGCTCCCTGCCTTGCCTGCAGCGTAG-3'
Protein context (NP_000251.3, residues 2174-2194): LVRGSKLLCE[Thr2184=]SLGYKMDDLL